The following is an entry in ClinVar:

NM_006206.6(PDGFRA):c.2870A>G (p.Gln957Arg)

Gene: PDGFRA (platelet derived growth factor receptor alpha; plus strand). Cytogenetic location: 4q12.
Variant type: single nucleotide variant.
Coding change: c.2870A>G on transcript NM_006206.6 (MANE Select); coding-DNA position 2870, A replaced by G.
Protein change: p.Gln957Arg; replaces glutamine 957 with arginine.
Molecular consequence: missense variant.
Genome position (GRCh38, 1-based): chr4:54,289,104, A>G. VCF-style: chr4-54289104-A-G. GRCh37 (hg19) VCF-style: chr4-55155271-A-G.
Other names: c.2945A>G, p.Gln982Arg (NM_001347828.2); c.2870A>G, p.Gln957Arg (NM_001347829.2); c.2909A>G, p.Gln970Arg (NM_001347830.2); short protein forms Q957R, Q982R, Q970R.
Identifiers: ClinVar variation 570015 (VCV000570015.12), dbSNP rs757720616, ClinGen allele CA2922965.

ClinVar aggregate classification (germline): Uncertain significance. Review status: criteria provided, multiple submitters, no conflicts (2 of 4 stars). 3 submissions from 3 submitters: Uncertain significance (3). Last evaluated 2025-07-02.

Conditions:
Polyps, multiple and recurrent inflammatory fibroid, gastrointestinal. Identifiers: MedGen C5193005, MONDO:0008285, OMIM 175510.
Hereditary cancer-predisposing syndrome. Also called: Hereditary neoplastic syndrome; Neoplastic Syndromes, Hereditary; Hereditary Cancer Syndrome; Tumor predisposition. Identifiers: Orphanet 140162, MedGen C0027672, MeSH D009386, MONDO:0015356.
Gastrointestinal stromal tumor. Also called: Gastrointestinal stromal tumor, somatic; Gastrointestinal stroma tumor. Identifiers: Orphanet 44890, MedGen C0238198, MeSH D046152, MONDO:0011719, OMIM 606764, HP:0100723.

Allele frequency attached by ClinVar (database versions not stated): gnomAD exomes below 0.00001 and 0.00001; ExAC 0.00002.
gnomAD v4.1: 5 of 1,581,504 alleles (0.00032%); highest among the groups gnomAD compares: African/African-American, 0.0013%; no homozygotes.

Submissions (3):

Labcorp Genetics (formerly Invitae), Labcorp
Classification: Uncertain significance for Gastrointestinal stromal tumor. Last evaluated: 2025-07-02. Review status: criteria provided, single submitter. Criteria: Invitae Variant Classification Sherloc (09022015). Collection method: clinical testing. Allele origin: germline.
Comment: This sequence change replaces glutamine, which is neutral and polar, with arginine, which is basic and polar, at codon 957 of the PDGFRA protein (p.Gln957Arg). This variant is present in population databases (rs757720616, gnomAD 0.002%). This variant has not been reported in the literature in individuals affected with PDGFRA-related conditions. ClinVar contains an entry for this variant (Variation ID: 570015). Invitae Evidence Modeling of protein sequence and biophysical properties (such as structural, functional, and spatial information, amino acid conservation, physicochemical variation, residue mobility, and thermodynamic stability) indicates that this missense variant is not expected to disrupt PDGFRA protein function with a negative predictive value of 80%. In summary, the available evidence is currently insufficient to determine the role of this variant in disease. Therefore, it has been classified as a Variant of Uncertain Significance.

Ambry Genetics
Classification: Uncertain significance for Hereditary cancer-predisposing syndrome. Last evaluated: 2024-04-01. Review status: criteria provided, single submitter. Criteria: Ambry Variant Classification Scheme 2023. Collection method: clinical testing. Allele origin: germline.
Comment: The p.Q957R variant (also known as c.2870A>G), located in coding exon 20 of the PDGFRA gene, results from an A to G substitution at nucleotide position 2870. The glutamine at codon 957 is replaced by arginine, an amino acid with highly similar properties. This amino acid position is conserved. In addition, the in silico prediction for this alteration is inconclusive. Based on the available evidence, the clinical significance of this alteration remains unclear.

Baylor Genetics
Classification: Uncertain significance for Polyps, multiple and recurrent inflammatory fibroid, gastrointestinal. Last evaluated: 2023-11-03. Review status: criteria provided, single submitter. Criteria: ACMG Guidelines, 2015. Collection method: clinical testing. Allele origin: unknown.